The following is an entry in ClinVar:

NM_001083962.2(TCF4):c.1289T>C (p.Met430Thr)

Gene: TCF4 (transcription factor 4; minus strand). Cytogenetic location: 18q21.2.
Variant type: single nucleotide variant.
Coding change: c.1289T>C on transcript NM_001083962.2 (MANE Select); coding-DNA position 1289, T replaced by C.
Protein change: p.Met430Thr; replaces methionine 430 with threonine.
Molecular consequence: missense variant.
Genome position (GRCh38, 1-based): chr18:55,254,558, A>G on the plus strand (T>C on the coding strand, the complement: TCF4 is on the minus strand). VCF-style: chr18-55254558-A-G. GRCh37 (hg19) VCF-style: chr18-52921789-A-G.
Other names: c.1595T>C, p.Met532Thr (NM_001243226.3); c.1217T>C, p.Met406Thr (NM_001243227.2, NM_001306207.1, NM_001369575.1 and 5 more transcripts); c.1307T>C, p.Met436Thr (NM_001243228.2); c.1280T>C, p.Met427Thr (NM_001243230.2); c.1163T>C, p.Met388Thr (NM_001243231.2, NM_001348211.2); c.1076T>C, p.Met359Thr (NM_001243232.1, NM_001306208.1); c.899T>C, p.Met300Thr (NM_001243233.2, NM_001330605.3, NM_001348212.2 and 1 more transcripts); c.809T>C, p.Met270Thr (NM_001243234.2, NM_001243235.2, NM_001243236.2 and 1 more transcripts); and 6 more; short protein forms M270T, M359T, M436T, M430T, M532T, M214T, M407T, M269T.
Identifiers: ClinVar variation 4746361 (VCV004746361.1).
Genomic context (GRCh38, chr18:55,254,558, plus strand): 5'-ATGAGTGAATGTCTGTTGGCTGAAAGAAGGCCGGTTCCATACCCTGAGCCCAGACCACCC[A>G]TGGCTCCATTATGAGAAGGTCCAATGATTCCATGCATGTCCCCATGACCACCAGGCATAG-3'
Protein context (NP_001077431.1, residues 420-440): GIIGPSHNGA[Met430Thr]GGLGSGYGTG

ClinVar aggregate classification (germline): Uncertain significance (1 of 4 stars; one submission).

Conditions:
Pitt-Hopkins syndrome (PTHS). Also called: ENCEPHALOPATHY, SEVERE EPILEPTIC, WITH AUTONOMIC DYSFUNCTION; MENTAL RETARDATION, SYNDROMAL, WITH INTERMITTENT HYPERVENTILATION. Identifiers: Orphanet 2896, MedGen C1970431, MONDO:0012589, OMIM 610954.

Submission:

Labcorp Genetics (formerly Invitae), Labcorp
Classification: Uncertain significance for Pitt-Hopkins syndrome. Last evaluated: 2025-06-22. Review status: criteria provided, single submitter. Criteria: Invitae Variant Classification Sherloc (09022015). Collection method: clinical testing. Allele origin: germline.
Comment: This sequence change replaces methionine, which is neutral and non-polar, with threonine, which is neutral and polar, at codon 430 of the TCF4 protein (p.Met430Thr). This variant is not present in population databases (gnomAD no frequency). This variant has not been reported in the literature in individuals affected with TCF4-related conditions. Invitae Evidence Modeling of protein sequence and biophysical properties (such as structural, functional, and spatial information, amino acid conservation, physicochemical variation, residue mobility, and thermodynamic stability) indicates that this missense variant is not expected to disrupt TCF4 protein function with a negative predictive value of 95%. In summary, the available evidence is currently insufficient to determine the role of this variant in disease. Therefore, it has been classified as a Variant of Uncertain Significance.